The following is an entry in ClinVar:

NM_000019.4(ACAT1):c.670G>C (p.Ala224Pro)

Gene: ACAT1 (acetyl-CoA acetyltransferase 1; plus strand). Cytogenetic location: 11q22.3.
Variant type: single nucleotide variant.
Coding change: c.670G>C on transcript NM_000019.4 (MANE Select); coding-DNA position 670, G replaced by C.
Protein change: p.Ala224Pro; replaces alanine 224 with proline.
Molecular consequence: missense variant. On other transcripts: non-coding transcript variant (2).
Genome position (GRCh38, 1-based): chr11:108,140,155, G>C. VCF-style: chr11-108140155-G-C. GRCh37 (hg19) VCF-style: chr11-108010882-G-C.
Other names: c.670G>C, p.Ala224Pro (NM_001386677.1); c.355G>C, p.Ala119Pro (NM_001386678.1); c.373G>C, p.Ala125Pro (NM_001386679.1); c.400G>C, p.Ala134Pro (NM_001386681.1, NM_001386682.1, NM_001386685.1 and 6 more transcripts); short protein forms A119P, A134P, A125P, A224P.
Identifiers: ClinVar variation 1360576 (VCV001360576.8), dbSNP rs2134761406, ClinGen allele CA382507573.

ClinVar aggregate classification (germline): Uncertain significance (1 of 4 stars; one submission).

Conditions:
Deficiency of acetyl-CoA acetyltransferase. Also called: Beta-ketothiolase deficiency; MITOCHONDRIAL ACETOACETYL-CoA THIOLASE DEFICIENCY; 3-KETOTHIOLASE DEFICIENCY; 3-OXOTHIOLASE DEFICIENCY. Identifiers: Orphanet 134, MedGen C1536500, MONDO:0008760, OMIM 203750. Disease mechanism: loss of function.

Allele frequency attached by ClinVar (database versions not stated): gnomAD exomes below 0.00001.
gnomAD v4.1: 1 of 1,614,176 alleles (0.000062%); highest among the groups gnomAD compares: Non-Finnish European, 0.000085%; no homozygotes.

Submission:

Labcorp Genetics (formerly Invitae), Labcorp
Classification: Uncertain significance for Deficiency of acetyl-CoA acetyltransferase. Last evaluated: 2021-06-12. Review status: criteria provided, single submitter. Criteria: Invitae Variant Classification Sherloc (09022015). Collection method: clinical testing. Allele origin: germline.
Comment: In summary, the available evidence is currently insufficient to determine the role of this variant in disease. Therefore, it has been classified as a Variant of Uncertain Significance. Advanced modeling of protein sequence and biophysical properties (such as structural, functional, and spatial information, amino acid conservation, physicochemical variation, residue mobility, and thermodynamic stability) performed at Invitae indicates that this missense variant is expected to disrupt ACAT1 protein function. This variant has not been reported in the literature in individuals with ACAT1-related conditions. This variant is not present in population databases (ExAC no frequency). This sequence change replaces alanine with proline at codon 224 of the ACAT1 protein (p.Ala224Pro). The alanine residue is moderately conserved and there is a small physicochemical difference between alanine and proline.